The following is an entry in ClinVar:

ClinVar aggregate classification (germline): Uncertain significance (1 of 4 stars; one submission).

Conditions:
Congenital myasthenic syndrome 10. Also called: Myasthenia, limb-girdle, familial. Identifiers: Orphanet 590, MedGen C1850792, MONDO:0009690, OMIM 254300.
Fetal akinesia deformation sequence 1 (FADS1). Also called: Pena-Shokeir syndrome type I; Fetal akinesia sequence. Identifiers: Orphanet 994, MedGen C1276035, MONDO:0100101, OMIM 208150, HP:0001989.

Submission:

Labcorp Genetics (formerly Invitae), Labcorp
Classification: Uncertain significance for Congenital myasthenic syndrome 10; Fetal akinesia deformation sequence 1. Last evaluated: 2021-08-27. Review status: criteria provided, single submitter. Criteria: Invitae Variant Classification Sherloc (09022015). Collection method: clinical testing. Allele origin: germline.
Comment: This variant, c.870_872del, results in the deletion of 1 amino acid(s) of the DOK7 protein (p.Ser291del), but otherwise preserves the integrity of the reading frame. This variant is present in population databases (rs749831515, ExAC 0.02%). This variant has not been reported in the literature in individuals affected with DOK7-related conditions. Experimental studies and prediction algorithms are not available or were not evaluated, and the functional significance of this variant is currently unknown. In summary, the available evidence is currently insufficient to determine the role of this variant in disease. Therefore, it has been classified as a Variant of Uncertain Significance.

NM_173660.5(DOK7):c.867GTC[1] (p.Ser291del)

Gene: DOK7 (docking protein 7; plus strand). Cytogenetic location: 4p16.3.
Variant type: Microsatellite.
Coding change: c.867GTC[1] on transcript NM_173660.5 (MANE Select); one copy of the 3-base unit GTC starting at c.867; the reference has two copies in a row; one copy, 3 bases deleted.
Protein change: p.Ser291del; deletes serine 291.
Molecular consequence: inframe deletion. On other transcripts: 3 prime UTR variant (1), 5 prime UTR variant (1).
Genome position (GRCh38, 1-based): chr4:3,492,856-3,492,858, GTC deleted; deleting any 3 consecutive bases within chr4:3,492,851-3,492,858 gives the same sequence; the position shown is the placement nearest the transcript's 3' end. VCF-style (leftmost placement, unchanged base first): chr4-3492850-CTCG-C. GRCh37 (hg19) VCF-style: chr4-3494577-CTCG-C.
Other names: c.*88GTC[1] (NM_001164673.2); c.-64GTC[1] (NM_001256896.2); c.867GTC[1], p.Ser291del (NM_001301071.2); c.435GTC[1], p.Ser147del (NM_001363811.2); short protein forms S291del, S147del.
Identifiers: ClinVar variation 1356490 (VCV001356490.5), dbSNP rs749831515, ClinGen allele CA2829257.